The following is an entry in ClinVar:

ClinVar aggregate classification (germline): Uncertain significance. Review status: criteria provided, single submitter (1 of 4 stars). 2 submissions from 2 submitters: Uncertain significance (1). 1 of the submissions does not count toward it. Last evaluated 2024-06-14.

Conditions:
Legius syndrome. Identifiers: Orphanet 137605, MedGen C1969623, MONDO:0012669, OMIM 611431. Disease mechanism: loss of function.
Noonan syndrome (NS). Also called: Noonan's syndrome. Identifiers: Orphanet 648, MedGen C0028326, MeSH D009634, MONDO:0018997. Disease mechanism: gain of function.

Submissions (2):

Labcorp Genetics (formerly Invitae), Labcorp
Classification: Uncertain significance for Legius syndrome. Last evaluated: 2024-06-14. Review status: criteria provided, single submitter. Criteria: Invitae Variant Classification Sherloc (09022015). Collection method: clinical testing. Allele origin: germline.
Comment: This sequence change replaces isoleucine, which is neutral and non-polar, with methionine, which is neutral and non-polar, at codon 94 of the SPRED1 protein (p.Ile94Met). This variant is not present in population databases (gnomAD no frequency). This variant has not been reported in the literature in individuals affected with SPRED1-related conditions. ClinVar contains an entry for this variant (Variation ID: 981595). Advanced modeling of protein sequence and biophysical properties (such as structural, functional, and spatial information, amino acid conservation, physicochemical variation, residue mobility, and thermodynamic stability) performed at Invitae indicates that this missense variant is not expected to disrupt SPRED1 protein function with a negative predictive value of 80%. In summary, the available evidence is currently insufficient to determine the role of this variant in disease. Therefore, it has been classified as a Variant of Uncertain Significance.

Service de Génétique Moléculaire, Hôpital Robert Debré
Classification: Likely benign for Noonan syndrome. Review status: no assertion criteria provided. Collection method: clinical testing. Allele origin: paternal. Affected: no. Not counted in ClinVar's aggregate classification.

NM_152594.3(SPRED1):c.282T>G (p.Ile94Met)

Gene: SPRED1 (sprouty related EVH1 domain containing 1; plus strand). Cytogenetic location: 15q14.
Variant type: single nucleotide variant.
Coding change: c.282T>G on transcript NM_152594.3 (MANE Select); coding-DNA position 282, T replaced by G.
Protein change: p.Ile94Met; replaces isoleucine 94 with methionine.
Molecular consequence: missense variant.
Genome position (GRCh38, 1-based): chr15:38,322,315, T>G. VCF-style: chr15-38322315-T-G. GRCh37 (hg19) VCF-style: chr15-38614516-T-G.
Other names: short protein forms I94M.
Identifiers: ClinVar variation 981595 (VCV000981595.3), dbSNP rs1160225934, ClinGen allele CA391932052.